The following is an entry in ClinVar:

NM_032730.5(RTN4IP1):c.379G>C (p.Val127Leu)

Gene: RTN4IP1 (reticulon 4 interacting protein 1; minus strand). Cytogenetic location: 6q21.
Variant type: single nucleotide variant.
Coding change: c.379G>C on transcript NM_032730.5 (MANE Select); coding-DNA position 379, G replaced by C.
Protein change: p.Val127Leu; replaces valine 127 with leucine.
Molecular consequence: missense variant.
Genome position (GRCh38, 1-based): chr6:106,622,865, C>G on the plus strand (G>C on the coding strand, the complement: RTN4IP1 is on the minus strand). VCF-style: chr6-106622865-C-G. GRCh37 (hg19) VCF-style: chr6-107070740-C-G.
Other names: c.379G>C (NM_032730.4); c.79G>C, p.Val27Leu (NM_001318746.1); short protein forms V127L, V27L.
Identifiers: ClinVar variation 3668240 (VCV003668240.3).

ClinVar aggregate classification (germline): Uncertain significance. Review status: criteria provided, multiple submitters, no conflicts (2 of 4 stars). 2 submissions from 2 submitters: Uncertain significance (2). Last evaluated 2025-08-12.

Conditions:
Inborn genetic diseases. Identifiers: MedGen C0950123, MeSH D030342.

Submissions (2):

Ambry Genetics
Classification: Uncertain significance for Inborn genetic diseases. Last evaluated: 2025-08-12. Review status: criteria provided, single submitter. Criteria: Ambry Variant Classification Scheme 2023. Collection method: clinical testing. Allele origin: germline.

Labcorp Genetics (formerly Invitae), Labcorp
Classification: Uncertain significance. Last evaluated: 2024-11-10. Review status: criteria provided, single submitter. Criteria: Invitae Variant Classification Sherloc (09022015). Collection method: clinical testing. Allele origin: germline.
Comment: This sequence change replaces valine, which is neutral and non-polar, with leucine, which is neutral and non-polar, at codon 127 of the RTN4IP1 protein (p.Val127Leu). This variant is not present in population databases (gnomAD no frequency). This variant has not been reported in the literature in individuals affected with RTN4IP1-related conditions. Invitae Evidence Modeling of protein sequence and biophysical properties (such as structural, functional, and spatial information, amino acid conservation, physicochemical variation, residue mobility, and thermodynamic stability) indicates that this missense variant is expected to disrupt RTN4IP1 protein function with a positive predictive value of 80%. In summary, the available evidence is currently insufficient to determine the role of this variant in disease. Therefore, it has been classified as a Variant of Uncertain Significance.